The following is an entry in ClinVar:

NM_032043.3(BRIP1):c.298A>T (p.Met100Leu)

Gene: BRIP1 (BRCA1 interacting DNA helicase 1; minus strand). Cytogenetic location: 17q23.2.
Variant type: single nucleotide variant.
Coding change: c.298A>T on transcript NM_032043.3 (MANE Select); coding-DNA position 298, A replaced by T.
Protein change: p.Met100Leu; replaces methionine 100 with leucine.
Molecular consequence: missense variant.
Genome position (GRCh38, 1-based): chr17:61,857,139, T>A on the plus strand (A>T on the coding strand, the complement: BRIP1 is on the minus strand). VCF-style: chr17-61857139-T-A. GRCh37 (hg19) VCF-style: chr17-59934500-T-A.
Other names: short protein forms M100L.
Identifiers: ClinVar variation 1904625 (VCV001904625.6), dbSNP rs1603366309, ClinGen allele CA400485424.

ClinVar aggregate classification (germline): Uncertain significance. Review status: criteria provided, multiple submitters, no conflicts (2 of 4 stars). 2 submissions from 2 submitters: Uncertain significance (2). Last evaluated 2023-12-05.

Conditions:
Familial cancer of breast. Also called: hereditary breast carcinoma; BREAST CANCER, FAMILIAL; Hereditary breast cancer. Identifiers: Orphanet 227535, MedGen C0346153, MONDO:0016419, OMIM 114480. Disease mechanism: loss of function.
Fanconi anemia complementation group J. Also called: BRIP1-Related Fanconi Anemia. Identifiers: Orphanet 84, MedGen C1836860, MONDO:0012187, OMIM 609054.
Hereditary cancer-predisposing syndrome. Also called: Tumor predisposition; Neoplastic Syndromes, Hereditary; Hereditary neoplastic syndrome; Hereditary Cancer Syndrome. Identifiers: Orphanet 140162, MedGen C0027672, MeSH D009386, MONDO:0015356.

Submissions (2):

Color Diagnostics, LLC DBA Color Health
Classification: Uncertain significance for Hereditary cancer-predisposing syndrome. Last evaluated: 2023-12-05. Review status: criteria provided, single submitter. Criteria: ACMG Guidelines, 2015. Collection method: clinical testing. Allele origin: germline.
Comment: This missense variant replaces methionine with leucine at codon 100 of the BRIP1 protein. Computational prediction suggests that this variant may not impact protein structure and function. To our knowledge, functional studies have not been reported for this variant. This variant has not been reported in individuals affected with BRIP1-related disorders in the literature. This variant has not been identified in the general population by the Genome Aggregation Database (gnomAD). The available evidence is insufficient to determine the role of this variant in disease conclusively. Therefore, this variant is classified as a Variant of Uncertain Significance.

Labcorp Genetics (formerly Invitae), Labcorp
Classification: Uncertain significance for Familial cancer of breast; Fanconi anemia complementation group J. Last evaluated: 2022-08-25. Review status: criteria provided, single submitter. Criteria: Invitae Variant Classification Sherloc (09022015). Collection method: clinical testing. Allele origin: germline.
Comment: In summary, the available evidence is currently insufficient to determine the role of this variant in disease. Therefore, it has been classified as a Variant of Uncertain Significance. Algorithms developed to predict the effect of missense changes on protein structure and function output the following: SIFT: "Tolerated"; PolyPhen-2: "Benign"; Align-GVGD: "Class C0". The leucine amino acid residue is found in multiple mammalian species, which suggests that this missense change does not adversely affect protein function. This variant has not been reported in the literature in individuals affected with BRIP1-related conditions. This variant is not present in population databases (gnomAD no frequency). This sequence change replaces methionine, which is neutral and non-polar, with leucine, which is neutral and non-polar, at codon 100 of the BRIP1 protein (p.Met100Leu).